The following is an entry in ClinVar:

NM_001365276.2(TNXB):c.6168C>T (p.Tyr2056=)

Gene: TNXB (tenascin XB; minus strand). Cytogenetic location: 6p21.33.
Variant type: single nucleotide variant.
Coding change: c.6168C>T on transcript NM_001365276.2 (MANE Select); coding-DNA position 6168, C replaced by T.
Protein change: p.Tyr2056=; no amino-acid change (tyrosine 2056 retained).
Molecular consequence: synonymous variant.
Genome position (GRCh38, 1-based): chr6:32,068,442, G>A on the plus strand (C>T on the coding strand, the complement: TNXB is on the minus strand). VCF-style: chr6-32068442-G-A. GRCh37 (hg19) VCF-style: chr6-32036219-G-A.
Other names: c.6168C>T, p.Tyr2056= (NM_019105.8).
Identifiers: ClinVar variation 1751981 (VCV001751981.5), dbSNP rs768976514, ClinGen allele CA3734518.

ClinVar aggregate classification (germline): Likely benign. Review status: criteria provided, multiple submitters, no conflicts (2 of 4 stars). 3 submissions from 3 submitters: Likely benign (2). 1 of the submissions does not count toward it. Last evaluated 2026-03-16.

Conditions:
Cardiovascular phenotype. Identifiers: MedGen CN230736.
TNXB-related disorder. Also called: TNXB-related condition.

Allele frequency attached by ClinVar (database versions not stated): ExAC 0.00004; gnomAD exomes 0.00008.
gnomAD v4.1: 119 of 1,613,772 alleles (0.0074%); highest among the groups gnomAD compares: Middle Eastern, 0.016%; no homozygotes.

Submissions (3):

Women's Health and Genetics/Laboratory Corporation of America, LabCorp
Classification: Likely benign. Last evaluated: 2026-03-16. Review status: criteria provided, single submitter. Criteria: LabCorp Variant Classification Summary - May 2015. Collection method: clinical testing. Allele origin: germline.

Ambry Genetics
Classification: Likely benign for Cardiovascular phenotype. Last evaluated: 2022-03-07. Review status: criteria provided, single submitter. Criteria: Ambry Variant Classification Scheme 2023. Collection method: clinical testing. Allele origin: germline.

PreventionGenetics, part of Exact Sciences
Classification: Likely benign for TNXB-related condition. Last evaluated: 2023-11-27. Review status: no assertion criteria provided. Collection method: clinical testing. Allele origin: germline. Not counted in ClinVar's aggregate classification.
Comment: This variant is classified as likely benign based on ACMG/AMP sequence variant interpretation guidelines (Richards et al. 2015 PMID: 25741868, with internal and published modifications).